The following is an entry in ClinVar:

ClinVar aggregate classification (germline): Uncertain significance. Review status: criteria provided, multiple submitters, no conflicts (2 of 4 stars). 3 submissions from 3 submitters: Uncertain significance (3). Last evaluated 2025-06-12.

Conditions:
Inborn genetic diseases. Identifiers: MedGen C0950123, MeSH D030342.
Wilms tumor 1 (WT1). Also called: Wilms tumor, somatic. Identifiers: Orphanet 654, MedGen CN033288, MONDO:0008679, OMIM 194070.
Frasier syndrome. Identifiers: Orphanet 347, MedGen C0950122, MeSH D052159, MONDO:0007635, OMIM 136680.
Drash syndrome (DDS). Also called: NEPHROPATHY, WILMS TUMOR, AND GENITAL ANOMALIES; WILMS TUMOR AND PSEUDO- OR TRUE HERMAPHRODITISM. Identifiers: Orphanet 220, MedGen C0950121, MONDO:0008682, OMIM 194080.
11p partial monosomy syndrome (WAGR). Also called: CHROMOSOME 11p13 DELETION SYNDROME; WAGR syndrome; WAGR Complex; WAGR Spectrum Disorder. Identifiers: Orphanet 893, MedGen C0206115, MONDO:0008681, OMIM 194072.

gnomAD v4.1: 3 of 1,612,986 alleles (0.00019%); highest among the groups gnomAD compares: Non-Finnish European, 0.00025%; no homozygotes.

Submissions (3):

Ambry Genetics
Classification: Uncertain significance for Inborn genetic diseases. Last evaluated: 2025-06-12. Review status: criteria provided, single submitter. Criteria: Ambry Variant Classification Scheme 2023. Collection method: clinical testing. Allele origin: germline.
Comment: The p.R213L variant (also known as c.638G>T), located in coding exon 1 of the WT1 gene, results from a G to T substitution at nucleotide position 638. The arginine at codon 213 is replaced by leucine, an amino acid with dissimilar properties. This amino acid position is highly conserved in available vertebrate species. In addition, this alteration is predicted to be deleterious by in silico analysis. Based on the available evidence, the clinical significance of this variant remains unclear.

All of Us Research Program, National Institutes of Health
Classification: Uncertain significance for Wilms tumor 1. Last evaluated: 2023-06-26. Review status: criteria provided, single submitter. Criteria: ACMG Guidelines, 2015. Collection method: clinical testing. Allele origin: germline. Inheritance: Autosomal dominant inheritance. Observed: 2 variant alleles, 2 heterozygotes.
Comment: This study involves interpretation of variants in research participants for the purpose of population health screening. Participant phenotype was not available at the time of variant classification. Additional details can be found in publication PMID: 35346344, PMCID: PMC8962531

Labcorp Genetics (formerly Invitae), Labcorp
Classification: Uncertain significance for Wilms tumor 1; Drash syndrome; 11p partial monosomy syndrome; Frasier syndrome. Last evaluated: 2022-05-08. Review status: criteria provided, single submitter. Criteria: Invitae Variant Classification Sherloc (09022015). Collection method: clinical testing. Allele origin: germline.
Comment: This variant is not present in population databases (gnomAD no frequency). In summary, the available evidence is currently insufficient to determine the role of this variant in disease. Therefore, it has been classified as a Variant of Uncertain Significance. Algorithms developed to predict the effect of missense changes on protein structure and function (SIFT, PolyPhen-2, Align-GVGD) all suggest that this variant is likely to be disruptive. ClinVar contains an entry for this variant (Variation ID: 406691). This missense change has been observed in at least one individual who was not affected with WT1-related conditions (Invitae). This variant has not been reported in the literature in individuals affected with WT1-related conditions. This sequence change replaces arginine, which is basic and polar, with leucine, which is neutral and non-polar, at codon 213 of the WT1 protein (p.Arg213Leu).

NM_024426.6(WT1):c.653G>T (p.Arg218Leu)

Genes: WT1 (WT1 transcription factor; minus strand), LOC107982234 (WT1/WT1-AS bi-directional promoter region; plus strand). Cytogenetic location: 11p13.
Variant type: single nucleotide variant.
Coding change: c.653G>T on transcript NM_024426.6 (MANE Select); coding-DNA position 653, G replaced by T.
Protein change: p.Arg218Leu; replaces arginine 218 with leucine.
Molecular consequence: missense variant. On other transcripts: non-coding transcript variant (1).
Genome position (GRCh38, 1-based): chr11:32,434,708, C>A on the plus strand (G>T on the coding strand, the complement: WT1 is on the minus strand). VCF-style: chr11-32434708-C-A. GRCh37 (hg19) VCF-style: chr11-32456254-C-A.
Other names: c.653G>T, p.Arg218Leu (NM_000378.6, NM_024424.5); short protein forms R218L.
Identifiers: ClinVar variation 406691 (VCV000406691.10), dbSNP rs756414084, ClinGen allele CA16613599.